The following is an entry in ClinVar:

NM_000268.4(NF2):c.1555A>G (p.Met519Val)

Gene: NF2 (NF2, moesin-ezrin-radixin like (MERLIN) tumor suppressor; plus strand). Cytogenetic location: 22q12.2.
Variant type: single nucleotide variant.
Coding change: c.1555A>G on transcript NM_000268.4 (MANE Select); coding-DNA position 1555, A replaced by G.
Protein change: p.Met519Val; replaces methionine 519 with valine.
Molecular consequence: missense variant. On other transcripts: non-coding transcript variant (1), intron variant (1).
Genome position (GRCh38, 1-based): chr22:29,678,304, A>G. VCF-style: chr22-29678304-A-G. GRCh37 (hg19) VCF-style: chr22-30074293-A-G.
Other names: c.1441A>G, p.Met481Val (NM_001407053.1, NM_001407056.1); c.1432A>G, p.Met478Val (NM_001407054.1, NM_001407058.1, NM_181829.3); c.1429A>G, p.Met477Val (NM_001407055.1, NM_181828.3); c.1420A>G, p.Met474Val (NM_001407057.1, NM_001407059.1); c.1555A>G, p.Met519Val (NM_001407060.1, NM_001407066.1, NM_016418.5 and 2 more transcripts); c.1297A>G, p.Met433Val (NM_001407062.1); c.1306A>G, p.Met436Val (NM_001407063.1, NM_001407064.1, NM_181830.3 and 1 more transcripts); c.1021A>G, p.Met341Val (NM_001407065.1); and 2 more; short protein forms M341V, M436V, M442V, M478V, M433V, M519V, M474V, M477V.
Identifiers: ClinVar variation 2180055 (VCV002180055.7), dbSNP rs1407304929, ClinGen allele CA411149771.

ClinVar aggregate classification (germline): Uncertain significance. Review status: criteria provided, multiple submitters, no conflicts (2 of 4 stars). 2 submissions from 2 submitters: Uncertain significance (2). Last evaluated 2025-05-23.

Conditions:
Hereditary cancer-predisposing syndrome. Also called: Neoplastic Syndromes, Hereditary; Tumor predisposition; Hereditary Cancer Syndrome; Hereditary neoplastic syndrome. Identifiers: Orphanet 140162, MedGen C0027672, MeSH D009386, MONDO:0015356.
Neurofibromatosis, type 2 (SWNV). Also called: BILATERAL ACOUSTIC NEUROFIBROMATOSIS; SCHWANNOMATOSIS, VESTIBULAR; NF2-Related Schwannomatosis. Identifiers: Orphanet 637, MedGen C0027832, MONDO:0007039, OMIM 101000. Disease mechanism: loss of function.

Allele frequency attached by ClinVar (database versions not stated): gnomAD exomes below 0.00001; TOPMed 0.00001.
gnomAD v4.1: 5 of 1,613,868 alleles (0.00031%); highest among the groups gnomAD compares: South Asian, 0.0033%; no homozygotes.

Submissions (2):

Ambry Genetics
Classification: Uncertain significance for Hereditary cancer-predisposing syndrome. Last evaluated: 2025-05-23. Review status: criteria provided, single submitter. Criteria: Ambry Variant Classification Scheme 2023. Collection method: clinical testing. Allele origin: germline.
Comment: The p.M519V variant (also known as c.1555A>G), located in coding exon 14 of the NF2 gene, results from an A to G substitution at nucleotide position 1555. The methionine at codon 519 is replaced by valine, an amino acid with highly similar properties. This amino acid position is well conserved in available vertebrate species. In addition, the in silico prediction for this alteration is inconclusive. Since supporting evidence is limited at this time, the clinical significance of this alteration remains unclear.

Labcorp Genetics (formerly Invitae), Labcorp
Classification: Uncertain significance for Neurofibromatosis, type 2. Last evaluated: 2025-02-13. Review status: criteria provided, single submitter. Criteria: Invitae Variant Classification Sherloc (09022015). Collection method: clinical testing. Allele origin: germline.
Comment: This sequence change replaces methionine, which is neutral and non-polar, with valine, which is neutral and non-polar, at codon 519 of the NF2 protein (p.Met519Val). This variant is present in population databases (no rsID available, gnomAD 0.003%). This variant has not been reported in the literature in individuals affected with NF2-related conditions. ClinVar contains an entry for this variant (Variation ID: 2180055). Invitae Evidence Modeling of protein sequence and biophysical properties (such as structural, functional, and spatial information, amino acid conservation, physicochemical variation, residue mobility, and thermodynamic stability) indicates that this missense variant is not expected to disrupt NF2 protein function with a negative predictive value of 80%. In summary, the available evidence is currently insufficient to determine the role of this variant in disease. Therefore, it has been classified as a Variant of Uncertain Significance.